The following is an entry in ClinVar:

ClinVar aggregate classification (germline): Pathogenic (1 of 4 stars; one submission).

gnomAD v4.1: 5 of 1,610,742 alleles (0.00031%); highest among the groups gnomAD compares: Non-Finnish European, 0.00042%; no homozygotes.

Submission:

Labcorp Genetics (formerly Invitae), Labcorp
Classification: Pathogenic. Last evaluated: 2024-05-06. Review status: criteria provided, single submitter. Criteria: Invitae Variant Classification Sherloc (09022015). Collection method: clinical testing. Allele origin: germline.
Comment: This sequence change creates a premature translational stop signal (p.Ser473*) in the ABCG8 gene. It is expected to result in an absent or disrupted protein product. Loss-of-function variants in ABCG8 are known to be pathogenic (PMID: 11452359, 15375183, 16029460). This variant is not present in population databases (gnomAD no frequency). This premature translational stop signal has been observed in individual(s) with familial hypercholesterolemia (PMID: 32088153). For these reasons, this variant has been classified as Pathogenic.

Literature cited by the submitters: PubMed 11452359; PubMed 15375183; PubMed 16029460; PubMed 32088153.

NM_022437.3(ABCG8):c.1418C>A (p.Ser473Ter)

Gene: ABCG8 (ATP binding cassette subfamily G member 8; plus strand). Cytogenetic location: 2p21.
Variant type: single nucleotide variant.
Coding change: c.1418C>A on transcript NM_022437.3 (MANE Select); coding-DNA position 1418, C replaced by A.
Protein change: p.Ser473Ter; replaces serine 473 with a stop codon.
Molecular consequence: nonsense.
Genome position (GRCh38, 1-based): chr2:43,874,413, C>A. VCF-style: chr2-43874413-C-A. GRCh37 (hg19) VCF-style: chr2-44101552-C-A.
Other names: c.1415C>A, p.Ser472Ter (NM_001357321.2); short protein forms S472*, S473*.
Identifiers: ClinVar variation 3716703 (VCV003716703.2).
Genomic context (GRCh38, chr2:43,874,413, plus strand): 5'-CACTGTAGATTTATTCTACTTCTTCATTCTCTTTTCCTTTCCCTTACTTTTTAGGTTACT[C>A]AGAGAGGGCAATGCTTTACTATGAACTGGAAGACGGGCTGTACACCACTGGTCCATATTT-3'